The following is an entry in ClinVar:

ClinVar aggregate classification (germline): Uncertain significance (1 of 4 stars; one submission).

Submission:

Ambry Genetics
Classification: Uncertain significance. Last evaluated: 2026-08-22. Review status: criteria provided, single submitter. Criteria: Ambry Variant Classification Scheme 2023. Collection method: clinical testing. Allele origin: germline.
Comment: The p.P403T variant (also known as c.1207C>A), located in coding exon 7 of the PALLD gene, results from a C to A substitution at nucleotide position 1207. The proline at codon 403 is replaced by threonine, an amino acid with highly similar properties. This amino acid position is conserved. In addition, the in silico prediction for this alteration is inconclusive. Based on the available evidence, the clinical significance of this variant remains unclear.

NM_001166108.2(PALLD):c.2719C>A (p.Pro907Thr)

Genes: CBR4 (carbonyl reductase 4; minus strand), PALLD (palladin, cytoskeletal associated protein; plus strand). Cytogenetic location: 4q32.3.
Variant type: single nucleotide variant.
Coding change: c.2719C>A on transcript NM_001166108.2 (MANE Select); coding-DNA position 2719, C replaced by A.
Protein change: p.Pro907Thr; replaces proline 907 with threonine.
Molecular consequence: missense variant.
Genome position (GRCh38, 1-based): chr4:168,915,896, C>A. VCF-style: chr4-168915896-C-A. GRCh37 (hg19) VCF-style: chr4-169837047-C-A.
Other names: c.547C>A, p.Pro183Thr (NM_001367567.1, NM_001367569.1); c.598C>A, p.Pro200Thr (NM_001367568.1, NM_001367570.1); c.2668C>A, p.Pro890Thr (NM_016081.4); c.1522C>A, p.Pro508Thr (NM_001166109.2); c.1207C>A, p.Pro403Thr (NM_001166110.2); short protein forms P183T, P890T, P200T, P403T, P907T, P508T.
Identifiers: ClinVar variation 5026249 (VCV005026249.1).
Genomic context (GRCh38, chr4:168,915,896, plus strand): 5'-AAGTCTGGAAGTAACTACTATCTATATTTCTATCTATCTGTCATCTTTCTTGTTTCAAGG[C>A]CTCGTTCTAGATCAAGGGACAGTGGAGACGAAAATGAACCAATTCAGGAGCGATTCTTCA-3'
Protein context (NP_001159580.1, residues 897-917): SPSGHPHVRR[Pro907Thr]RSRSRDSGDE